The following is an entry in ClinVar:

NM_013432.5(TONSL):c.2522C>T (p.Pro841Leu)

Genes: TONSL (tonsoku like, DNA repair protein; minus strand), TONSL-AS1 (TONSL antisense RNA 1; plus strand). Cytogenetic location: 8q24.3.
Variant type: single nucleotide variant.
Coding change: c.2522C>T on transcript NM_013432.5 (MANE Select); coding-DNA position 2522, C replaced by T.
Protein change: p.Pro841Leu; replaces proline 841 with leucine.
Molecular consequence: missense variant.
Genome position (GRCh38, 1-based): chr8:144,435,911, G>A on the plus strand (C>T on the coding strand, the complement: TONSL is on the minus strand). VCF-style: chr8-144435911-G-A. GRCh37 (hg19) VCF-style: chr8-145661294-G-A.
Other names: c.2522C>T (NM_013432.4); short protein forms P841L.
Identifiers: ClinVar variation 1486857 (VCV001486857.6), dbSNP rs201651076, ClinGen allele CA4942802.

ClinVar aggregate classification (germline): Uncertain significance. Review status: criteria provided, multiple submitters, no conflicts (2 of 4 stars). 2 submissions from 2 submitters: Uncertain significance (2). Last evaluated 2024-07-02.

Conditions:
Inborn genetic diseases. Identifiers: MedGen C0950123, MeSH D030342.

Allele frequency attached by ClinVar (database versions not stated): ExAC 0.00006; gnomAD exomes 0.00007; gnomAD 0.00015 and 0.00016; ESP Exome Variant Server 0.00016; TOPMed 0.00020.
gnomAD v4.1: 49 of 1,589,348 alleles (0.0031%); highest among the groups gnomAD compares: African/African-American, 0.05%; no homozygotes.

Submissions (2):

Ambry Genetics
Classification: Uncertain significance for Inborn genetic diseases. Last evaluated: 2024-07-02. Review status: criteria provided, single submitter. Criteria: Ambry Variant Classification Scheme 2023. Collection method: clinical testing. Allele origin: germline.

Labcorp Genetics (formerly Invitae), Labcorp
Classification: Uncertain significance. Last evaluated: 2022-07-14. Review status: criteria provided, single submitter. Criteria: Invitae Variant Classification Sherloc (09022015). Collection method: clinical testing. Allele origin: germline.
Comment: This sequence change replaces proline, which is neutral and non-polar, with leucine, which is neutral and non-polar, at codon 841 of the TONSL protein (p.Pro841Leu). This variant is present in population databases (rs201651076, gnomAD 0.09%). This variant has not been reported in the literature in individuals affected with TONSL-related conditions. ClinVar contains an entry for this variant (Variation ID: 1486857). Algorithms developed to predict the effect of missense changes on protein structure and function output the following: SIFT: "Tolerated"; PolyPhen-2: "Benign"; Align-GVGD: "Class C0". The leucine amino acid residue is found in multiple mammalian species, which suggests that this missense change does not adversely affect protein function. In summary, the available evidence is currently insufficient to determine the role of this variant in disease. Therefore, it has been classified as a Variant of Uncertain Significance.